The following is an entry in ClinVar:

ClinVar aggregate classification (germline): Uncertain significance (1 of 4 stars; one submission).

Conditions:
PTPRQ-related disorder. Also called: PTPRQ-related condition.

gnomAD v4.1: 1 of 1,550,416 alleles (0.000064%); highest among the groups gnomAD compares: Non-Finnish European, 0.000087%; no homozygotes.

Submission:

PreventionGenetics, part of Exact Sciences
Classification: Uncertain significance for PTPRQ-related condition. Last evaluated: 2022-09-08. Review status: criteria provided, single submitter. Criteria: ACMG Guidelines, 2015. Collection method: clinical testing. Allele origin: germline.
Comment: The PTPRQ c.6245C>G variant is predicted to result in the amino acid substitution p.Thr2082Arg. To our knowledge, this variant has not been reported in the literature or in a large population database, indicating this variant is rare. At this time, the clinical significance of this variant is uncertain due to the absence of conclusive functional and genetic evidence.

NM_001145026.2(PTPRQ):c.6245C>G (p.Thr2082Arg)

Gene: PTPRQ (protein tyrosine phosphatase receptor type Q; plus strand). Cytogenetic location: 12q21.31.
Variant type: single nucleotide variant.
Coding change: c.6245C>G on transcript NM_001145026.2 (MANE Select); coding-DNA position 6245, C replaced by G.
Protein change: p.Thr2082Arg; replaces threonine 2082 with arginine.
Molecular consequence: missense variant.
Genome position (GRCh38, 1-based): chr12:80,669,059, C>G. VCF-style: chr12-80669059-C-G. GRCh37 (hg19) VCF-style: chr12-81062838-C-G.
Other names: short protein forms T2082R.
Identifiers: ClinVar variation 2636538 (VCV002636538.1), dbSNP rs986995950, ClinGen allele CA385935796.